The following is an entry in ClinVar:

ClinVar aggregate classification (germline): Uncertain significance (1 of 4 stars; one submission).

Conditions:
Acrofacial dysostosis Cincinnati type. Identifiers: Orphanet 1200, MedGen C4225317, MONDO:0014651, OMIM 616462.

Submission:

University of Washington Department of Laboratory Medicine, University of Washington
Classification: Uncertain significance for Acrofacial dysostosis Cincinnati type. Last evaluated: 2022-05-31. Review status: criteria provided, single submitter. Criteria: ACMG Guidelines, 2015. Collection method: clinical testing. Allele origin: maternal. Affected: yes.
Comment: The p.Gly380Ala variant in the POLR1A gene has not been previously reported in association with disease. This variant was absent from large population databases, including the Genome Aggregation Database. In silico tools predict that the p.Gly380Ala is deleterious; however, these predictions have not been tested directly. Using ACMG guidelines, this variant was classified as a variant of uncertain significance (ACMG evidence codes used: PM2_supporting, PP3).

NM_015425.6(POLR1A):c.1139G>C (p.Gly380Ala)

Gene: POLR1A (RNA polymerase I subunit A; minus strand). Cytogenetic location: 2p11.2.
Variant type: single nucleotide variant.
Coding change: c.1139G>C on transcript NM_015425.6 (MANE Select); coding-DNA position 1139, G replaced by C.
Protein change: p.Gly380Ala; replaces glycine 380 with alanine.
Molecular consequence: missense variant.
Genome position (GRCh38, 1-based): chr2:86,078,232, C>G on the plus strand (G>C on the coding strand, the complement: POLR1A is on the minus strand). VCF-style: chr2-86078232-C-G. GRCh37 (hg19) VCF-style: chr2-86305355-C-G.
Other names: short protein forms G380A.
Identifiers: ClinVar variation 3777208 (VCV003777208.1).